The following is an entry in ClinVar:

NM_013275.6(ANKRD11):c.860G>T (p.Gly287Val)

Gene: ANKRD11 (ankyrin repeat domain 11; minus strand). Cytogenetic location: 16q24.3.
Variant type: single nucleotide variant.
Coding change: c.860G>T on transcript NM_013275.6 (MANE Select); coding-DNA position 860, G replaced by T.
Protein change: p.Gly287Val; replaces glycine 287 with valine.
Molecular consequence: missense variant.
Genome position (GRCh38, 1-based): chr16:89,286,071, C>A on the plus strand (G>T on the coding strand, the complement: ANKRD11 is on the minus strand). VCF-style: chr16-89286071-C-A. GRCh37 (hg19) VCF-style: chr16-89352479-C-A.
Other names: c.860G>T, p.Gly287Val (NM_001256182.2, NM_001256183.2); short protein forms G287V.
Identifiers: ClinVar variation 3668638 (VCV003668638.2).

ClinVar aggregate classification (germline): Uncertain significance (1 of 4 stars; one submission).

Conditions:
KBG syndrome (KBGS). Also called: ANKRD11-Related KBG Syndrome. Identifiers: Orphanet 2332, MedGen C0220687, MONDO:0007846, OMIM 148050.

Submission:

Labcorp Genetics (formerly Invitae), Labcorp
Classification: Uncertain significance for KBG syndrome. Last evaluated: 2024-03-02. Review status: criteria provided, single submitter. Criteria: Invitae Variant Classification Sherloc (09022015). Collection method: clinical testing. Allele origin: germline.
Comment: This sequence change replaces glycine, which is neutral and non-polar, with valine, which is neutral and non-polar, at codon 287 of the ANKRD11 protein (p.Gly287Val). This variant is not present in population databases (gnomAD no frequency). This variant has not been reported in the literature in individuals affected with ANKRD11-related conditions. Advanced modeling of protein sequence and biophysical properties (such as structural, functional, and spatial information, amino acid conservation, physicochemical variation, residue mobility, and thermodynamic stability) performed at Invitae indicates that this missense variant is not expected to disrupt ANKRD11 protein function with a negative predictive value of 95%. In summary, the available evidence is currently insufficient to determine the role of this variant in disease. Therefore, it has been classified as a Variant of Uncertain Significance.